The following is an entry in ClinVar:

NM_000179.3(MSH6):c.2452C>T (p.Leu818Phe)

Gene: MSH6 (mutS homolog 6; plus strand). Cytogenetic location: 2p16.3.
Variant type: single nucleotide variant.
Coding change: c.2452C>T on transcript NM_000179.3 (MANE Select); coding-DNA position 2452, C replaced by T.
Protein change: p.Leu818Phe; replaces leucine 818 with phenylalanine.
Molecular consequence: missense variant.
Genome position (GRCh38, 1-based): chr2:47,800,435, C>T. VCF-style: chr2-47800435-C-T. GRCh37 (hg19) VCF-style: chr2-48027574-C-T.
Other names: c.2062C>T, p.Leu688Phe (NM_001281492.2); c.1546C>T, p.Leu516Phe (NM_001281493.2, NM_001281494.2); short protein forms L818F, L516F, L688F.
Identifiers: ClinVar variation 232501 (VCV000232501.17), dbSNP rs786203612, ClinGen allele CA10578106.

ClinVar aggregate classification (germline): Uncertain significance. Review status: criteria provided, multiple submitters, no conflicts (2 of 4 stars). 3 submissions from 3 submitters: Uncertain significance (3). Last evaluated 2024-04-27.

Conditions:
Hereditary cancer-predisposing syndrome. Also called: Neoplastic Syndromes, Hereditary; Tumor predisposition; Hereditary Cancer Syndrome; Hereditary neoplastic syndrome. Identifiers: Orphanet 140162, MedGen C0027672, MeSH D009386, MONDO:0015356.
Hereditary nonpolyposis colorectal neoplasms. Identifiers: MedGen C0009405, MeSH D003123.

Submissions (3):

Labcorp Genetics (formerly Invitae), Labcorp
Classification: Uncertain significance for Hereditary nonpolyposis colorectal neoplasms. Last evaluated: 2024-04-27. Review status: criteria provided, single submitter. Criteria: Invitae Variant Classification Sherloc (09022015). Collection method: clinical testing. Allele origin: germline.
Comment: This sequence change replaces leucine, which is neutral and non-polar, with phenylalanine, which is neutral and non-polar, at codon 818 of the MSH6 protein (p.Leu818Phe). This variant is not present in population databases (gnomAD no frequency). This variant has not been reported in the literature in individuals affected with MSH6-related conditions. ClinVar contains an entry for this variant (Variation ID: 232501). Advanced modeling of protein sequence and biophysical properties (such as structural, functional, and spatial information, amino acid conservation, physicochemical variation, residue mobility, and thermodynamic stability) has been performed at Invitae for this missense variant, however the output from this modeling did not meet the statistical confidence thresholds required to predict the impact of this variant on MSH6 protein function. In summary, the available evidence is currently insufficient to determine the role of this variant in disease. Therefore, it has been classified as a Variant of Uncertain Significance.

Ambry Genetics
Classification: Uncertain significance for Hereditary cancer-predisposing syndrome. Last evaluated: 2023-03-17. Review status: criteria provided, single submitter. Criteria: Ambry Variant Classification Scheme 2023. Collection method: clinical testing. Allele origin: germline.
Comment: The p.L818F variant (also known as c.2452C>T), located in coding exon 4 of the MSH6 gene, results from a C to T substitution at nucleotide position 2452. The leucine at codon 818 is replaced by phenylalanine, an amino acid with highly similar properties. This amino acid position is highly conserved in available vertebrate species. In addition, this alteration is predicted to be deleterious by in silico analysis. Since supporting evidence is limited at this time, the clinical significance of this alteration remains unclear.

Color Diagnostics, LLC DBA Color Health
Classification: Uncertain significance for Hereditary cancer-predisposing syndrome. Last evaluated: 2019-12-10. Review status: criteria provided, single submitter. Criteria: ACMG Guidelines, 2015. Collection method: clinical testing. Allele origin: germline.
Comment: This missense variant replaces leucine with phenylalanine at codon 818 of the MSH6 protein. Computational prediction suggests that this variant may have deleterious impact on protein structure and function (internally defined REVEL score threshold >= 0.7, PMID: 27666373). Splice site prediction tools suggest that this variant may not impact RNA splicing. To our knowledge, functional studies have not been performed for this variant. This variant has not been reported in individuals affected with hereditary cancer in the literature. This variant has not been identified in the general population by the Genome Aggregation Database (gnomAD). The available evidence is insufficient to determine the role of this variant in disease conclusively. Therefore, this variant is classified as a Variant of Uncertain Significance.

Literature cited by the submitters: PubMed 22863191 (cited by Ambry Genetics).